The following is an entry in ClinVar:

NM_020822.3(KCNT1):c.-38C>T

Gene: KCNT1 (potassium sodium-activated channel subfamily T member 1; plus strand). Cytogenetic location: 9q34.3.
Variant type: single nucleotide variant.
Coding change: c.-38C>T on transcript NM_020822.3 (MANE Select); 38 bases upstream of the start codon, C replaced by T.
Molecular consequence: 5 prime UTR variant.
Genome position (GRCh38, 1-based): chr9:135,702,221, C>T. VCF-style: chr9-135702221-C-T. GRCh37 (hg19) VCF-style: chr9-138594067-C-T.
Other names: c.-38C>T (NM_001272003.2).
Identifiers: ClinVar variation 383618 (VCV000383618.1), dbSNP rs943933167, ClinGen allele CA16605439.

ClinVar aggregate classification (germline): Likely benign (1 of 4 stars; one submission).

Submission:

GeneDx
Classification: Likely benign. Last evaluated: 2016-02-18. Review status: criteria provided, single submitter. Criteria: GeneDx Variant Classification (06012015). Collection method: clinical testing. Allele origin: germline. Affected: yes.
Comment: This variant is considered likely benign or benign based on one or more of the following criteria: it is a conservative change, it occurs at a poorly conserved position in the protein, it is predicted to be benign by multiple in silico algorithms, and/or has population frequency not consistent with disease.